The following is an entry in ClinVar:

NM_007122.5(USF1):c.714+3C>T

Gene: USF1 (upstream transcription factor 1; minus strand). Cytogenetic location: 1q23.3.
Variant type: single nucleotide variant.
Coding change: c.714+3C>T on transcript NM_007122.5 (MANE Select); 3 bases into the intron after coding-DNA position 714, C replaced by T.
Molecular consequence: intron variant.
Genome position (GRCh38, 1-based): chr1:161,040,573, G>A on the plus strand (C>T on the coding strand, the complement: USF1 is on the minus strand). VCF-style: chr1-161040573-G-A. GRCh37 (hg19) VCF-style: chr1-161010363-G-A.
Other names: c.537+3C>T (NM_207005.3); c.714+3C>T (NM_001276373.2).
Identifiers: ClinVar variation 2612930 (VCV002612930.2), dbSNP rs372068185, ClinGen allele CA1203652.

ClinVar aggregate classification (germline): Uncertain significance (1 of 4 stars; one submission).

Allele frequency attached by ClinVar (database versions not stated): ExAC 0.00014.

Submission:

Ambry Genetics
Classification: Uncertain significance. Last evaluated: 2023-07-26. Review status: criteria provided, single submitter. Criteria: Ambry Variant Classification Scheme 2023. Collection method: clinical testing. Allele origin: germline.
Comment: Does not currently meet published gene-disease clinical validity criteria Based on insufficient or conflicting evidence, the clinical significance of this alteration remains unclear.

Literature cited by the submitters: PubMed 28106320.